The following is an entry in ClinVar:

ClinVar aggregate classification (germline): Uncertain significance. Review status: criteria provided, multiple submitters, no conflicts (2 of 4 stars). 6 submissions from 6 submitters: Uncertain significance (6). Last evaluated 2026-02-17.

Conditions:
Citrin deficiency. Identifiers: Orphanet 247582, MedGen C1997910, MONDO:0016602.
Inborn genetic diseases. Identifiers: MedGen C0950123, MeSH D030342.
Citrullinemia, type II, adult-onset (CDAA). Also called: CITRIN DEFICIENCY, ADOLESCENT OR ADULT ONSET. Identifiers: Orphanet 247585, MedGen CN295299, MONDO:0011326, OMIM 603471.
SLC25A13-related disorder. Also called: SLC25A13-related condition.

Allele frequency attached by ClinVar (database versions not stated): gnomAD 0.00002 and 0.00003; ExAC 0.00003; TOPMed 0.00005; gnomAD exomes 0.00006 and 0.00008.
gnomAD v4.1: 124 of 1,614,028 alleles (0.0077%); highest among the groups gnomAD compares: Middle Eastern, 0.15%; no homozygotes.

Submissions (6):

PreventionGenetics, part of Exact Sciences
Classification: Uncertain significance for SLC25A13-related condition. Last evaluated: 2026-02-17. Review status: criteria provided, single submitter. Criteria: ACMG Guidelines, 2015. Collection method: clinical testing. Allele origin: germline.
Comment: The SLC25A13 c.1631T>C variant is predicted to result in the amino acid substitution p.Ile544Thr. To our knowledge, this variant has not been reported in the literature. This variant is reported in 0.023% of alleles in individuals of Latino descent in gnomAD. At this time, the clinical significance of this variant is uncertain due to the absence of conclusive functional and genetic evidence.

Mayo Clinic Laboratories, Mayo Clinic
Classification: Uncertain significance. Last evaluated: 2025-05-06. Review status: criteria provided, single submitter. Criteria: ACMG Guidelines, 2015. Collection method: clinical testing. Allele origin: germline. Observed: 1 variant allele.
Comment: PP3_strong, PM2_supporting

Genomic Medicine Center of Excellence, King Faisal Specialist Hospital and Research Centre
Classification: Uncertain significance for Citrullinemia, type II, adult-onset. Last evaluated: 2024-04-04. Review status: criteria provided, single submitter. Criteria: ACMG Guidelines, 2015. Collection method: clinical testing. Allele origin: germline.

Ambry Genetics
Classification: Uncertain significance for Inborn genetic diseases. Last evaluated: 2023-02-23. Review status: criteria provided, single submitter. Criteria: Ambry Variant Classification Scheme 2023. Collection method: clinical testing. Allele origin: germline.

Labcorp Genetics (formerly Invitae), Labcorp
Classification: Uncertain significance for Citrin deficiency. Last evaluated: 2022-02-10. Review status: criteria provided, single submitter. Criteria: Invitae Variant Classification Sherloc (09022015). Collection method: clinical testing. Allele origin: germline.
Comment: This sequence change replaces isoleucine, which is neutral and non-polar, with threonine, which is neutral and polar, at codon 544 of the SLC25A13 protein (p.Ile544Thr). This variant is present in population databases (rs754054414, gnomAD 0.02%). This variant has not been reported in the literature in individuals affected with SLC25A13-related conditions. ClinVar contains an entry for this variant (Variation ID: 286778). Algorithms developed to predict the effect of missense changes on protein structure and function (SIFT, PolyPhen-2, Align-GVGD) all suggest that this variant is likely to be disruptive. In summary, the available evidence is currently insufficient to determine the role of this variant in disease. Therefore, it has been classified as a Variant of Uncertain Significance.

Eurofins Ntd Llc (ga)
Classification: Uncertain significance. Last evaluated: 2016-03-15. Review status: criteria provided, single submitter. Criteria: EGL Classification Definitions 2015. Collection method: clinical testing. Allele origin: germline. Observed: 1 variant allele, 1 heterozygote.

NM_014251.3(SLC25A13):c.1631T>C (p.Ile544Thr)

Gene: SLC25A13 (solute carrier family 25 member 13; minus strand). Cytogenetic location: 7q21.3.
Variant type: single nucleotide variant.
Coding change: c.1631T>C on transcript NM_014251.3 (MANE Select); coding-DNA position 1631, T replaced by C.
Protein change: p.Ile544Thr; replaces isoleucine 544 with threonine.
Molecular consequence: missense variant. On other transcripts: non-coding transcript variant (1).
Genome position (GRCh38, 1-based): chr7:96,121,958, A>G on the plus strand (T>C on the coding strand, the complement: SLC25A13 is on the minus strand). VCF-style: chr7-96121958-A-G. GRCh37 (hg19) VCF-style: chr7-95751270-A-G.
Other names: p.Ile544Thr; c.1634T>C, p.Ile545Thr (NM_001160210.2); c.1631T>C (NM_014251.2); short protein forms I544T, I545T.
Identifiers: ClinVar variation 286778 (VCV000286778.11), dbSNP rs754054414, ClinGen allele CA4352841.